The following is an entry in ClinVar:

NM_000263.4(NAGLU):c.737C>T (p.Ala246Val)

Gene: NAGLU (N-acetyl-alpha-glucosaminidase; plus strand). Cytogenetic location: 17q21.2.
Variant type: single nucleotide variant.
Coding change: c.737C>T on transcript NM_000263.4 (MANE Select); coding-DNA position 737, C replaced by T.
Protein change: p.Ala246Val; replaces alanine 246 with valine.
Molecular consequence: missense variant.
Genome position (GRCh38, 1-based): chr17:42,538,728, C>T. VCF-style: chr17-42538728-C-T. GRCh37 (hg19) VCF-style: chr17-40690746-C-T.
Other names: c.737C>T (NM_000263.3); short protein forms A246V.
Identifiers: ClinVar variation 1398071 (VCV001398071.6), dbSNP rs1405289098, ClinGen allele CA399599058.

ClinVar aggregate classification (germline): Uncertain significance. Review status: criteria provided, multiple submitters, no conflicts (2 of 4 stars). 2 submissions from 2 submitters: Uncertain significance (2). Last evaluated 2025-06-13.

Conditions:
Inborn genetic diseases. Identifiers: MedGen C0950123, MeSH D030342.
Charcot-Marie-Tooth disease axonal type 2V. Also called: CHARCOT-MARIE-TOOTH NEUROPATHY, TYPE 2V; CHARCOT-MARIE-TOOTH DISEASE, AXONAL, AUTOSOMAL DOMINANT, TYPE 2V. Identifiers: Orphanet 447964, MedGen C5569050, MONDO:0014665, OMIM 616491.
Mucopolysaccharidosis, MPS-III-B (MPS3B). Also called: MPS IIIB (Sanfilippo Syndrome Type B); N-ACETYL-ALPHA-D-GLUCOSAMINIDASE DEFICIENCY; NAGLU DEFICIENCY; MUCOPOLYSACCHARIDOSIS, TYPE IIIB; Mucopolysaccharidosis type IIIB (Sanfilippo B); SANFILIPPO SYNDROME B. Identifiers: Orphanet 79270, MedGen C0086648, MONDO:0009656, OMIM 252920.

Allele frequency attached by ClinVar (database versions not stated): gnomAD exomes 0.00001.

Submissions (2):

Ambry Genetics
Classification: Uncertain significance for Inborn genetic diseases. Last evaluated: 2025-06-13. Review status: criteria provided, single submitter. Criteria: Ambry Variant Classification Scheme 2023. Collection method: clinical testing. Allele origin: germline.
Comment: The c.737C>T (p.A246V) alteration is located in exon 4 (coding exon 4) of the NAGLU gene. This alteration results from a C to T substitution at nucleotide position 737, causing the alanine (A) at amino acid position 246 to be replaced by a valine (V). Based on data from gnomAD, the T allele has an overall frequency of 0.001% (3/250340) total alleles studied. The highest observed frequency was 0.016% (1/6128) of Other alleles. This amino acid position is not well conserved in available vertebrate species. The in silico prediction for this alteration is inconclusive. Based on insufficient or conflicting evidence, the clinical significance of this alteration remains unclear.

Labcorp Genetics (formerly Invitae), Labcorp
Classification: Uncertain significance for Charcot-Marie-Tooth disease axonal type 2V; Mucopolysaccharidosis, MPS-III-B. Last evaluated: 2021-08-28. Review status: criteria provided, single submitter. Criteria: Invitae Variant Classification Sherloc (09022015). Collection method: clinical testing. Allele origin: germline.
Comment: This sequence change replaces alanine with valine at codon 246 of the NAGLU protein (p.Ala246Val). The alanine residue is highly conserved and there is a small physicochemical difference between alanine and valine. This variant is not present in population databases (ExAC no frequency). This variant has not been reported in the literature in individuals affected with NAGLU-related conditions. Algorithms developed to predict the effect of missense changes on protein structure and function are either unavailable or do not agree on the potential impact of this missense change (SIFT: "Deleterious"; PolyPhen-2: "Possibly Damaging"; Align-GVGD: "Class C0"). In summary, the available evidence is currently insufficient to determine the role of this variant in disease. Therefore, it has been classified as a Variant of Uncertain Significance.